The following is an entry in ClinVar:

ClinVar aggregate classification (germline): Uncertain significance (1 of 4 stars; one submission).

Conditions:
ACMSD-related disorder. Also called: ACMSD-related condition.

gnomAD v4.1: 5 of 1,614,100 alleles (0.00031%); highest among the groups gnomAD compares: Admixed American, 0.0083%; no homozygotes.

Submission:

3billion
Classification: Uncertain significance for ACMSD-related disorder. Last evaluated: 2025-11-27. Review status: criteria provided, single submitter. Criteria: ACMG Guidelines, 2015. Collection method: clinical testing. Allele origin: germline. Affected: yes.
Comment: The variant is observed at an extremely low frequency in the gnomAD v4.1.0 dataset (total allele frequency: <0.001%). Predicted Consequence/Location: Missense variant In silico tools predict the variant to alter splicing and produce an abnormal transcript [SpliceAI: 0.47 (>=0.2, moderate evidence for spliceogenicity)]. Therefore, this variant is classified as VUS according to the recommendation of ACMG/AMP guideline.

NM_138326.3(ACMSD):c.249G>T (p.Trp83Cys)

Gene: ACMSD (aminocarboxymuconate semialdehyde decarboxylase; plus strand). Cytogenetic location: 2q21.3.
Variant type: single nucleotide variant.
Coding change: c.249G>T on transcript NM_138326.3 (MANE Select); coding-DNA position 249, G replaced by T.
Protein change: p.Trp83Cys; replaces tryptophan 83 with cysteine.
Molecular consequence: missense variant. On other transcripts: intron variant (1).
Genome position (GRCh38, 1-based): chr2:134,862,018, G>T. VCF-style: chr2-134862018-G-T. GRCh37 (hg19) VCF-style: chr2-135619588-G-T.
Other names: c.76-1377G>T (NM_001307983.2); short protein forms W83C.
Identifiers: ClinVar variation 4855301 (VCV004855301.1).
Genomic context (GRCh38, chr2:134,862,018, plus strand): 5'-TCCATGTCTAGGAGTAACAGTGCAAGCCCTTTCCACAGTTCCTGTCATGTTTAGCTACTG[G>T]GTGAGTGTGAAACCTCAAGCCATCTCCTTGGTGTTGAAGGTTCGTGTTGAGCTCCCAAAA-3'
Protein context (NP_612199.2, residues 73-93): LSTVPVMFSY[Trp83Cys]AKPEDTLNLC